The following is an entry in ClinVar:

ClinVar aggregate classification (germline): Uncertain significance. Review status: criteria provided, multiple submitters, no conflicts (2 of 4 stars). 4 submissions from 4 submitters: Uncertain significance (4). Last evaluated 2026-05-29.

Conditions:
PKD1-related disorder. Also called: PKD1-related condition.
Polycystic kidney disease, adult type (PKD1). Also called: Polycystic Kidney Disease 1, Autosomal Dominant; Polycystic kidney disease 1; Polycystic kidney disease 1, severe; POLYCYSTIC KIDNEY DISEASE, ADULT, TYPE I; Polycystic Kidney, Autosomal Dominant; POLYCYSTIC KIDNEY DISEASE 1 WITH OR WITHOUT POLYCYSTIC LIVER DISEASE. Identifiers: MedGen C3149841, MONDO:0008263, OMIM 173900.

Allele frequency attached by ClinVar (database versions not stated): TOPMed 0.00007; gnomAD exomes 0.00008 and 0.00011; ExAC 0.00012; gnomAD 0.00013 and 0.00014.
gnomAD v4.1: 134 of 1,596,576 alleles (0.0084%); highest among the groups gnomAD compares: Admixed American, 0.033%; no homozygotes.

Submissions (4):

PreventionGenetics, part of Exact Sciences
Classification: Uncertain significance for PKD1-related condition. Last evaluated: 2026-05-29. Review status: criteria provided, single submitter. Criteria: ACMG Guidelines, 2015. Collection method: clinical testing. Allele origin: germline.
Comment: The PKD1 c.7340C>T variant is predicted to result in the amino acid substitution p.Thr2447Met. This variant has been reported in individuals with polycystic kidney disease, but the clinical significance was uncertain (Bullich et al. 2018. PubMed ID: 29801666, Supplementary Table 1; Nielsen et al. 2021. PubMed ID: 33639313, Supplementary Table 2). This variant is reported in 0.020% of alleles in individuals of Latino descent in gnomAD. Given the relatively high allele frequency in the general population, we suspect that this variant may be benign. At this time, however, the clinical significance of this variant is uncertain due to the absence of conclusive functional and genetic evidence.

GeneDx
Classification: Uncertain significance. Last evaluated: 2024-07-24. Review status: criteria provided, single submitter. Criteria: GeneDx Variant Classification Process June 2021. Collection method: clinical testing. Allele origin: germline. Affected: yes.
Comment: In silico analysis supports that this missense variant has a deleterious effect on protein structure/function; This variant is associated with the following publications: (PMID: 29801666, 33639313)

Fulgent Genetics
Classification: Uncertain significance for Polycystic kidney disease, adult type. Last evaluated: 2022-03-24. Review status: criteria provided, single submitter. Criteria: ACMG Guidelines, 2015. Collection method: clinical testing. Allele origin: unknown.

ARUP Laboratories, Molecular Genetics and Genomics, ARUP Laboratories
Classification: Uncertain significance for Polycystic kidney disease, adult type. Last evaluated: 2019-05-03. Review status: criteria provided, single submitter. Criteria: ARUP Molecular Germline Variant Investigation Process. Collection method: clinical testing. Allele origin: germline.
Comment: The PKD1 c.7340C>T; p.Thr2447Met variant (rs760315179) is reported in the literature in an individual affected with autosomal dominant polycystic kidney disease (ADPKD), although this individual also carried several other missense variant which could be causative for disease (Bullich 2018). The p.Thr2447Met variant is found in the general population with an overall allele frequency of 0.01% (26/259570 alleles) in the Genome Aggregation Database. The threonine at codon 2447 is moderately conserved, and computational analyses (SIFT, PolyPhen-2) predict that this variant is deleterious. However, due to limited information, the clinical significance of the p.Thr2447Met variant is uncertain at this time. References: Bullich G et al. A kidney-disease gene panel allows a comprehensive genetic diagnosis of cystic and glomerular inherited kidney diseases. Kidney Int. 2018 Aug;94(2):363-371.

NM_001009944.3(PKD1):c.7340C>T (p.Thr2447Met)

Gene: PKD1 (polycystin 1, transient receptor potential channel interacting; minus strand). Cytogenetic location: 16p13.3.
Variant type: single nucleotide variant.
Coding change: c.7340C>T on transcript NM_001009944.3 (MANE Select); coding-DNA position 7340, C replaced by T.
Protein change: p.Thr2447Met; replaces threonine 2447 with methionine.
Molecular consequence: missense variant.
Genome position (GRCh38, 1-based): chr16:2,106,547, G>A on the plus strand (C>T on the coding strand, the complement: PKD1 is on the minus strand). VCF-style: chr16-2106547-G-A. GRCh37 (hg19) VCF-style: chr16-2156548-G-A.
Other names: c.7340C>T, p.Thr2447Met (NM_000296.4); c.7340C>T (NM_001009944.2); short protein forms T2447M.
Identifiers: ClinVar variation 812023 (VCV000812023.13), dbSNP rs760315179, ClinGen allele CA7831174.
Genomic context (GRCh38, chr16:2,106,547, plus strand): 5'-GGGGACAGGCGGATGGAGGCGCAGCCCTCCTCCTCGCCAGAGCGGCCCAGCACCGTGAGC[G>A]TGAAGGTGTATCCCTCGCCGTCCCGCAGCACGCCCCGCCGCAGCACCAGTCGCATGCCTG-3'
Protein context (NP_001009944.3, residues 2437-2457): VLRDGEGYTF[Thr2447Met]LTVLGRSGEE